The following is an entry in ClinVar:

NM_001367624.2(ZNF469):c.1907A>C (p.His636Pro)

Gene: ZNF469 (zinc finger protein 469; plus strand). Cytogenetic location: 16q24.2.
Variant type: single nucleotide variant.
Coding change: c.1907A>C on transcript NM_001367624.2 (MANE Select); coding-DNA position 1907, A replaced by C.
Protein change: p.His636Pro; replaces histidine 636 with proline.
Molecular consequence: missense variant.
Genome position (GRCh38, 1-based): chr16:88,429,377, A>C. VCF-style: chr16-88429377-A-C. GRCh37 (hg19) VCF-style: chr16-88495785-A-C.
Other names: NM_001127464.1:c.1907A>C; short protein forms H636P.
Identifiers: ClinVar variation 1782407 (VCV001782407.2), dbSNP rs2142300538, ClinGen allele CA397069113.

ClinVar aggregate classification (germline): Uncertain significance (1 of 4 stars; one submission).

Conditions:
Cardiovascular phenotype. Identifiers: MedGen CN230736.

Allele frequency attached by ClinVar (database versions not stated): gnomAD exomes below 0.00001.

Submission:

Ambry Genetics
Classification: Uncertain significance for Cardiovascular phenotype. Last evaluated: 2021-10-29. Review status: criteria provided, single submitter. Criteria: Ambry Variant Classification Scheme 2023. Collection method: clinical testing. Allele origin: germline.
Comment: The p.H636P variant (also known as c.1907A>C), located in coding exon 1 of the ZNF469 gene, results from an A to C substitution at nucleotide position 1907. The histidine at codon 636 is replaced by proline, an amino acid with similar properties. This amino acid position is conserved. In addition, this alteration is predicted to be tolerated by in silico analysis. Since supporting evidence is limited at this time, the clinical significance of this alteration remains unclear.